The following is an entry in ClinVar:

ClinVar aggregate classification (germline): Uncertain significance (0 of 4 stars; one submission).

Conditions:
PLEKHA7-related disorder. Also called: PLEKHA7-related condition.

gnomAD v4.1: 68 of 1,614,066 alleles (0.0042%); highest among the groups gnomAD compares: Admixed American, 0.0083%; no homozygotes.

Submission:

PreventionGenetics, part of Exact Sciences
Classification: Uncertain significance for PLEKHA7-related condition. Last evaluated: 2024-07-24. Review status: no assertion criteria provided. Collection method: clinical testing. Allele origin: germline.
Comment: The PLEKHA7 c.1454C>T variant is predicted to result in the amino acid substitution p.Ser485Leu. To our knowledge, this variant has not been reported in the literature. This variant is reported in 0.012% of alleles in individuals of African descent in gnomAD. At this time, the clinical significance of this variant is uncertain due to the absence of conclusive functional and genetic evidence.

NM_001329630.2(PLEKHA7):c.1454C>T (p.Ser485Leu)

Gene: PLEKHA7 (pleckstrin homology domain containing A7; minus strand). Cytogenetic location: 11p15.2.
Variant type: single nucleotide variant.
Coding change: c.1454C>T on transcript NM_001329630.2 (MANE Select); coding-DNA position 1454, C replaced by T.
Protein change: p.Ser485Leu; replaces serine 485 with leucine.
Molecular consequence: missense variant.
Genome position (GRCh38, 1-based): chr11:16,817,212, G>A on the plus strand (C>T on the coding strand, the complement: PLEKHA7 is on the minus strand). VCF-style: chr11-16817212-G-A. GRCh37 (hg19) VCF-style: chr11-16838759-G-A.
Other names: c.1454C>T, p.Ser485Leu (NM_001329631.2, NM_001410960.1, NM_175058.5); short protein forms S485L.
Identifiers: ClinVar variation 3351491 (VCV003351491.1).